The following is an entry in ClinVar:

NM_012388.4(BLOC1S6):c.461G>A (p.Arg154Gln)

Gene: BLOC1S6 (biogenesis of lysosomal organelles complex 1 subunit 6; plus strand). Cytogenetic location: 15q21.1.
Variant type: single nucleotide variant.
Coding change: c.461G>A on transcript NM_012388.4 (MANE Select); coding-DNA position 461, G replaced by A.
Protein change: p.Arg154Gln; replaces arginine 154 with glutamine.
Molecular consequence: missense variant. On other transcripts: 3 prime UTR variant (1), non-coding transcript variant (10).
Genome position (GRCh38, 1-based): chr15:45,606,456, G>A. VCF-style: chr15-45606456-G-A. GRCh37 (hg19) VCF-style: chr15-45898654-G-A.
Other names: p.Arg154Gln; c.461G>A (NM_012388.3, NM_012388.2); c.476G>A, p.Arg159Gln (NM_001311255.1); c.*112G>A (NM_001311256.1); short protein forms R159Q, R154Q.
Identifiers: ClinVar variation 1450432 (VCV001450432.7), dbSNP rs145937442, ClinGen allele CA7544388.

ClinVar aggregate classification (germline): Uncertain significance. Review status: criteria provided, multiple submitters, no conflicts (2 of 4 stars). 5 submissions from 5 submitters: Uncertain significance (5). Last evaluated 2024-12-09.

Conditions:
Hermansky-Pudlak syndrome 9 (HPS9). Identifiers: Orphanet 280663, Orphanet 79430, MedGen C3280026, MONDO:0013606, OMIM 614171.
Inborn genetic diseases. Identifiers: MedGen C0950123, MeSH D030342.

Allele frequency attached by ClinVar (database versions not stated): gnomAD exomes 0.00004; ESP Exome Variant Server 0.00038.
gnomAD v4.1: 120 of 1,614,138 alleles (0.0074%); highest among the groups gnomAD compares: African/African-American, 0.12%; no homozygotes.

Submissions (5):

Labcorp Genetics (formerly Invitae), Labcorp
Classification: Uncertain significance for Hermansky-Pudlak syndrome 9. Last evaluated: 2024-12-09. Review status: criteria provided, single submitter. Criteria: Invitae Variant Classification Sherloc (09022015). Collection method: clinical testing. Allele origin: germline.
Comment: This sequence change replaces arginine, which is basic and polar, with glutamine, which is neutral and polar, at codon 154 of the BLOC1S6 protein (p.Arg154Gln). This variant is present in population databases (rs145937442, gnomAD 0.1%). This variant has not been reported in the literature in individuals affected with BLOC1S6-related conditions. ClinVar contains an entry for this variant (Variation ID: 1450432). An algorithm developed to predict the effect of missense changes on protein structure and function (PolyPhen-2) suggests that this variant is likely to be disruptive. In summary, the available evidence is currently insufficient to determine the role of this variant in disease. Therefore, it has been classified as a Variant of Uncertain Significance.

Mayo Clinic Laboratories, Mayo Clinic
Classification: Uncertain significance. Last evaluated: 2023-09-27. Review status: criteria provided, single submitter. Criteria: ACMG Guidelines, 2015. Collection method: clinical testing. Allele origin: germline. Observed: 1 variant allele.
Comment: BP4

GeneDx
Classification: Uncertain significance. Last evaluated: 2023-04-13. Review status: criteria provided, single submitter. Criteria: GeneDx Variant Classification Process June 2021. Collection method: clinical testing. Allele origin: germline. Affected: yes.
Comment: In silico analysis supports that this missense variant has a deleterious effect on protein structure/function; Has not been previously published as pathogenic or benign to our knowledge

Ambry Genetics
Classification: Uncertain significance for Inborn genetic diseases. Last evaluated: 2021-07-20. Review status: criteria provided, single submitter. Criteria: Ambry Variant Classification Scheme 2023. Collection method: clinical testing. Allele origin: germline.

Center for Genomics, Ann and Robert H. Lurie Children's Hospital of Chicago
Classification: Uncertain significance for Hermansky-Pudlak syndrome 9. Last evaluated: 2021-03-30. Review status: criteria provided, single submitter. Criteria: ACMG Guidelines, 2015. Collection method: clinical testing. Allele origin: germline.
Comment: BLOC1S6 NM_012388.3 exon 5 p.Arg154Gln (c.461G>A): This variant has not been reported in the literature but is present in 0.1% (25/24966) of African alleles in the Genome Aggregation Database. Evolutionary conservation suggests that this variant may impact the protein; computational predictive tools for this variant are unclear. In summary, data on this variant is insufficient for disease classification. Therefore, the clinical significance of this variant is uncertain.